The following is an entry in ClinVar:

NM_007186.6(CEP250):c.1946A>G (p.Glu649Gly)

Genes: CEP250 (centrosomal protein 250; plus strand), CEP250-AS1 (CEP250 antisense RNA 1; minus strand). Cytogenetic location: 20q11.22.
Variant type: single nucleotide variant.
Coding change: c.1946A>G on transcript NM_007186.6 (MANE Select); coding-DNA position 1946, A replaced by G.
Protein change: p.Glu649Gly; replaces glutamic acid 649 with glycine.
Molecular consequence: missense variant.
Genome position (GRCh38, 1-based): chr20:35,477,953, A>G. VCF-style: chr20-35477953-A-G. GRCh37 (hg19) VCF-style: chr20-34065778-A-G.
Other names: c.50A>G, p.Glu17Gly (NM_001318219.1); short protein forms E649G, E17G.
Identifiers: ClinVar variation 1390817 (VCV001390817.5), dbSNP rs1328924790, ClinGen allele CA408766155.
Genomic context (GRCh38, chr20:35,477,953, plus strand): 5'-TGTGCAGCAGAATGGAGGCCGCAGAGCAGGCGAGAAATGCTTTGCAGGTCGACCTGGCGG[A>G]GGCAGAGAAGAGGAGGGAAGCCCTGTGGGAAAAGAACACTCACCTGGAGGCTCAGCTGCA-3'
Protein context (NP_009117.2, residues 639-659): ARNALQVDLA[Glu649Gly]AEKRREALWE

ClinVar aggregate classification (germline): Uncertain significance. Review status: criteria provided, multiple submitters, no conflicts (2 of 4 stars). 2 submissions from 2 submitters: Uncertain significance (2). Last evaluated 2024-05-22.

Allele frequency attached by ClinVar (database versions not stated): gnomAD exomes below 0.00001; gnomAD 0.00001.
gnomAD v4.1: 5 of 1,612,442 alleles (0.00031%); highest among the groups gnomAD compares: African/African-American, 0.0027%; no homozygotes.

Submissions (2):

Labcorp Genetics (formerly Invitae), Labcorp
Classification: Uncertain significance. Last evaluated: 2024-05-22. Review status: criteria provided, single submitter. Criteria: Invitae Variant Classification Sherloc (09022015). Collection method: clinical testing. Allele origin: germline.
Comment: This sequence change replaces glutamic acid, which is acidic and polar, with glycine, which is neutral and non-polar, at codon 649 of the CEP250 protein (p.Glu649Gly). This variant is present in population databases (no rsID available, gnomAD 0.01%). This variant has not been reported in the literature in individuals affected with CEP250-related conditions. ClinVar contains an entry for this variant (Variation ID: 1390817). An algorithm developed to predict the effect of missense changes on protein structure and function (PolyPhen-2) suggests that this variant is likely to be disruptive. In summary, the available evidence is currently insufficient to determine the role of this variant in disease. Therefore, it has been classified as a Variant of Uncertain Significance.

Blueprint Genetics
Classification: Uncertain significance. Last evaluated: 2021-12-09. Review status: criteria provided, single submitter. Criteria: ACMG Guidelines, 2015. Collection method: clinical testing. Allele origin: germline.